The following is an entry in ClinVar:

ClinVar aggregate classification (germline): Likely pathogenic (1 of 4 stars; one submission).

Conditions:
Congenital multicore myopathy with external ophthalmoplegia (CMYO1B). Also called: MULTIMINICORE DISEASE WITH EXTERNAL OPHTHALMOPLEGIA; MULTICORE MYOPATHY; Minicore myopathy with external ophthalmoplegia; Congenital myopathy 1B, autosomal recessive; Minicore myopathy. Identifiers: Orphanet 598, Orphanet 98905, MedGen C1850674, MONDO:0009712, OMIM 255320, HP:0003789.

gnomAD v4.1: 1 of 1,613,788 alleles (0.000062%); highest among the groups gnomAD compares: Non-Finnish European, 0.000085%; no homozygotes.

Submission:

MVZ Medizinische Genetik Mainz
Classification: Likely pathogenic for Congenital multicore myopathy with external ophthalmoplegia. Last evaluated: 2025-11-17. Review status: criteria provided, single submitter. Criteria: UK Practice Guidelines For Variant Classification V4 01 2020. Collection method: clinical testing. Allele origin: germline. Inheritance: Autosomal recessive inheritance. Affected: yes. Observed: 1 variant allele.
Comment: ACMG Criteria: PVS1,PM2_SUP

NM_000540.3(RYR1):c.8572C>T (p.Gln2858Ter)

Genes: RYR1 (ryanodine receptor 1; plus strand), LOC126862902 (BRD4-independent group 4 enhancer GRCh37_chr19:38995830-38997029; plus strand). Cytogenetic location: 19q13.2.
Variant type: single nucleotide variant.
Coding change: c.8572C>T on transcript NM_000540.3 (MANE Select); coding-DNA position 8572, C replaced by T.
Protein change: p.Gln2858Ter; replaces glutamine 2858 with a stop codon.
Molecular consequence: nonsense.
Genome position (GRCh38, 1-based): chr19:38,506,333, C>T. VCF-style: chr19-38506333-C-T. GRCh37 (hg19) VCF-style: chr19-38996973-C-T.
Other names: c.8572C>T, p.Gln2858Ter (NM_001042723.2); short protein forms Q2858*.
Identifiers: ClinVar variation 5038143 (VCV005038143.1).